The following is an entry in ClinVar:

ClinVar aggregate classification (germline): Uncertain significance. Review status: criteria provided, single submitter (1 of 4 stars). 2 submissions from 2 submitters: Uncertain significance (1). 1 of the submissions does not count toward it. Last evaluated 2024-02-15.

Conditions:
NLRP3-related disorder. Also called: NLRP3-Related Disorders; NLRP3-related condition.
Familial amyloid nephropathy with urticaria AND deafness (MWS). Also called: MUCKLE-WELLS SYNDROME; Urticaria, deafness and amyloidosis; CRYOPYRIN-ASSOCIATED PERIODIC SYNDROME 2; UDA SYNDROME; URTICARIA-DEAFNESS-AMYLOIDOSIS SYNDROME. Identifiers: Orphanet 575, MedGen C0268390, MONDO:0008633, OMIM 191900.
Familial cold autoinflammatory syndrome 1 (FCAS1). Also called: Familial cold inflammatory syndrome 1; CRYOPYRIN-ASSOCIATED PERIODIC SYNDROME 1. Identifiers: Orphanet 47045, MedGen C4551895, MONDO:0007349, OMIM 120100.
Keratitis fugax hereditaria. Also called: KERATOENDOTHELIITIS FUGAX HEREDITARIA. Identifiers: Orphanet 647815, MedGen C1835697, MONDO:0007849, OMIM 148200.
Hearing loss, autosomal dominant 34, with or without inflammation. Also called: DEAFNESS, AUTOSOMAL DOMINANT 34, WITH OR WITHOUT INFLAMMATION. Identifiers: MedGen C4521680, MONDO:0033261, OMIM 617772.
Chronic infantile neurological, cutaneous and articular syndrome (CINCA). Also called: CHRONIC NEUROLOGIC CUTANEOUS AND ARTICULAR SYNDROME; Prieur Griscelli syndrome; CRYOPYRIN-ASSOCIATED PERIODIC SYNDROME 3; CINCA syndrome. Identifiers: Orphanet 1451, MedGen C0409818, MONDO:0011776, OMIM 607115.

Submissions (2):

Fulgent Genetics
Classification: Uncertain significance for Familial cold autoinflammatory syndrome 1; Keratitis fugax hereditaria; Familial amyloid nephropathy with urticaria AND deafness; Chronic infantile neurological, cutaneous and articular syndrome; Hearing loss, autosomal dominant 34, with or without inflammation. Last evaluated: 2024-02-15. Review status: criteria provided, single submitter. Criteria: ACMG Guidelines, 2015. Collection method: clinical testing. Allele origin: germline.

PreventionGenetics, part of Exact Sciences
Classification: Uncertain significance for NLRP3-related condition. Last evaluated: 2024-04-12. Review status: no assertion criteria provided. Collection method: clinical testing. Allele origin: germline. Not counted in ClinVar's aggregate classification.
Comment: The NLRP3 c.3019G>A variant is predicted to result in the amino acid substitution p.Glu1007Lys. To our knowledge, this variant has not been reported in the literature or in a large population database, indicating this variant is rare. At this time, the clinical significance of this variant is uncertain due to the absence of conclusive functional and genetic evidence.

NM_001243133.2(NLRP3):c.3013G>A (p.Glu1005Lys)

Gene: NLRP3 (NLR family pyrin domain containing 3; plus strand). Cytogenetic location: 1q44.
Variant type: single nucleotide variant.
Coding change: c.3013G>A on transcript NM_001243133.2 (MANE Select); coding-DNA position 3013, G replaced by A.
Protein change: p.Glu1005Lys; replaces glutamic acid 1005 with lysine.
Molecular consequence: missense variant.
Genome position (GRCh38, 1-based): chr1:247,448,412, G>A. VCF-style: chr1-247448412-G-A. GRCh37 (hg19) VCF-style: chr1-247611714-G-A.
Other names: c.3013G>A, p.Glu1005Lys (NM_001079821.3); c.2842G>A, p.Glu948Lys (NM_001127461.3, NM_001127462.3); c.3019G>A, p.Glu1007Lys (NM_004895.5); c.2671G>A, p.Glu891Lys (NM_183395.3); short protein forms E1005K, E1007K, E891K, E948K.
Identifiers: ClinVar variation 3358850 (VCV003358850.2).